The following is an entry in ClinVar:

ClinVar aggregate classification (germline): Uncertain significance. Review status: criteria provided, multiple submitters, no conflicts (2 of 4 stars). 3 submissions from 3 submitters: Uncertain significance (3). Last evaluated 2024-03-10.

Conditions:
Cortical dysplasia-focal epilepsy syndrome (PTHSL1). Also called: Pitt-Hopkins-like syndrome 1. Identifiers: Orphanet 163681, Orphanet 221150, MedGen C2750246, MONDO:0012400, OMIM 610042.

Allele frequency attached by ClinVar (database versions not stated): TOPMed 0.00001; gnomAD 0.00006.
gnomAD v4.1: 22 of 1,613,994 alleles (0.0014%); highest among the groups gnomAD compares: South Asian, 0.0077%; no homozygotes.

Submissions (3):

GeneDx
Classification: Uncertain significance. Last evaluated: 2024-03-10. Review status: criteria provided, single submitter. Criteria: GeneDx Variant Classification Process June 2021. Collection method: clinical testing. Allele origin: germline. Affected: yes.
Comment: Not observed at significant frequency in large population cohorts (gnomAD); In silico analysis supports that this missense variant does not alter protein structure/function; Has not been previously published as pathogenic or benign to our knowledge

Labcorp Genetics (formerly Invitae), Labcorp
Classification: Uncertain significance for Cortical dysplasia-focal epilepsy syndrome. Last evaluated: 2024-02-24. Review status: criteria provided, single submitter. Criteria: Invitae Variant Classification Sherloc (09022015). Collection method: clinical testing. Allele origin: germline.
Comment: This sequence change replaces alanine, which is neutral and non-polar, with threonine, which is neutral and polar, at codon 1199 of the CNTNAP2 protein (p.Ala1199Thr). This variant is present in population databases (rs727503878, gnomAD 0.006%). This variant has not been reported in the literature in individuals affected with CNTNAP2-related conditions. ClinVar contains an entry for this variant (Variation ID: 210743). Algorithms developed to predict the effect of missense changes on protein structure and function output the following: SIFT: "Not Available"; PolyPhen-2: "Benign"; Align-GVGD: "Not Available". The threonine amino acid residue is found in multiple mammalian species, which suggests that this missense change does not adversely affect protein function. In summary, the available evidence is currently insufficient to determine the role of this variant in disease. Therefore, it has been classified as a Variant of Uncertain Significance.

Genetic Services Laboratory, University of Chicago
Classification: Uncertain significance. Last evaluated: 2014-11-10. Review status: criteria provided, single submitter. Criteria: ACMG Guidelines, 2015. Collection method: clinical testing. Allele origin: germline.

NM_014141.6(CNTNAP2):c.3595G>A (p.Ala1199Thr)

Gene: CNTNAP2 (contactin associated protein 2; plus strand). Cytogenetic location: 7q36.1.
Variant type: single nucleotide variant.
Coding change: c.3595G>A on transcript NM_014141.6 (MANE Select); coding-DNA position 3595, G replaced by A.
Protein change: p.Ala1199Thr; replaces alanine 1199 with threonine.
Molecular consequence: missense variant.
Genome position (GRCh38, 1-based): chr7:148,383,768, G>A. VCF-style: chr7-148383768-G-A. GRCh37 (hg19) VCF-style: chr7-148080860-G-A.
Other names: short protein forms A1199T.
Identifiers: ClinVar variation 210743 (VCV000210743.11), dbSNP rs727503878, ClinGen allele CA206042.